The following is an entry in ClinVar:

NM_018979.4(WNK1):c.3859G>T (p.Ala1287Ser)

Gene: WNK1 (WNK lysine deficient protein kinase 1; plus strand). Cytogenetic location: 12p13.33.
Variant type: single nucleotide variant.
Coding change: c.3859G>T on transcript NM_018979.4 (MANE Select); coding-DNA position 3859, G replaced by T.
Protein change: p.Ala1287Ser; replaces alanine 1287 with serine.
Molecular consequence: missense variant.
Genome position (GRCh38, 1-based): chr12:884,663, G>T. VCF-style: chr12-884663-G-T. GRCh37 (hg19) VCF-style: chr12-993829-G-T.
Other names: c.4639G>T, p.Ala1547Ser (NM_001184985.2); c.3118G>T, p.Ala1040Ser (NM_014823.3); c.4615G>T, p.Ala1539Ser (NM_213655.5); short protein forms A1287S, A1539S, A1547S, A1040S.
Identifiers: ClinVar variation 471184 (VCV000471184.18), dbSNP rs149186881, ClinGen allele CA6382886.
Genomic context (GRCh38, chr12:884,663, plus strand): 5'-TCCTTTTAAAATCAGCTGATTCTTATCTTTTTGTATTCCTTTGCAGTTGCTGCCTCTACA[G>T]CTCAGAGCCCTGGAATGAACTTGTCTCACTCTGCATCATCCCTTAGTCTACAACAGGCCT-3'
Protein context (NP_061852.3, residues 1277-1297): EITDTVAAST[Ala1287Ser]QSPGMNLSHS

ClinVar aggregate classification (germline): Benign/Likely benign. Review status: criteria provided, multiple submitters, no conflicts (2 of 4 stars). 3 submissions from 3 submitters: Benign (1); Likely benign (2). Last evaluated 2025-12-15.

Conditions:
Inborn genetic diseases. Identifiers: MedGen C0950123, MeSH D030342.
Neuropathy, hereditary sensory and autonomic, type 2A (HSAN2A). Also called: HSAN IIA; WNK1-Related HSAN2 (HSAN2A); ACROOSTEOLYSIS, GIACCAI TYPE; ACROOSTEOLYSIS, NEUROGENIC; MORVAN DISEASE; NEUROPATHY, CONGENITAL SENSORY. Identifiers: Orphanet 970, MedGen C2752089, MONDO:0024309, OMIM 201300.
Pseudohypoaldosteronism type 2C (PHA2C). Also called: Pseudohypoaldosteronism Type IIC. Identifiers: Orphanet 757, Orphanet 88940, MedGen C1840391, MONDO:0013778, OMIM 614492.

Allele frequency attached by ClinVar (database versions not stated): gnomAD 0.00017 and 0.00018; ESP Exome Variant Server 0.00008; gnomAD exomes 0.00012; ExAC 0.00013; TOPMed 0.00014.
gnomAD v4.1: 204 of 1,613,994 alleles (0.013%); highest among the groups gnomAD compares: Non-Finnish European, 0.015%; 1 homozygote.

Submissions (6):

Labcorp Genetics (formerly Invitae), Labcorp
Classification: Likely benign for Neuropathy, hereditary sensory and autonomic, type 2A; Pseudohypoaldosteronism type 2C. Last evaluated: 2025-12-15. Review status: criteria provided, single submitter. Criteria: Invitae Variant Classification Sherloc (09022015). Collection method: clinical testing. Allele origin: germline.

Ambry Genetics
Classification: Likely benign for Inborn genetic diseases. Last evaluated: 2021-03-20. Review status: criteria provided, single submitter. Criteria: Ambry Variant Classification Scheme 2023. Collection method: clinical testing. Allele origin: germline.

Illumina Laboratory Services, Illumina
Classification: Benign for Pseudohypoaldosteronism type 2C. Last evaluated: 2018-01-13. Review status: criteria provided, single submitter. Criteria: ICSL Variant Classification Criteria 13 December 2019. Collection method: clinical testing. Allele origin: germline.
Comment: This variant was observed in the ICSL laboratory as part of a predisposition screen in an ostensibly healthy population. It had not been previously curated by ICSL or reported in the Human Gene Mutation Database (HGMD: prior to June 1st, 2018), and was therefore a candidate for classification through an automated scoring system. Utilizing variant allele frequency, disease prevalence and penetrance estimates, and inheritance mode, an automated score was calculated to assess if this variant is too frequent to cause the disease. Based on the score and internal cut-off values, a variant classified as benign is not then subjected to further curation. The score for this variant resulted in a classification of benign for this disease.

Dr. Peter K. Rogan Lab, Western University
No classification provided (evidence only). Condition: Clear cell carcinoma of kidney. Review status: no classification provided. Collection method: in vitro. Allele origin: not applicable. Functional consequence: retained intron. Not counted in ClinVar's aggregate classification.

Dr. Peter K. Rogan Lab, Western University
No classification provided (evidence only). Condition: Melanoma. Review status: no classification provided. Collection method: in vitro. Allele origin: not applicable. Functional consequence: retained intron. Not counted in ClinVar's aggregate classification.

Dr. Peter K. Rogan Lab, Western University
No classification provided (evidence only). Condition: Sarcoma. Review status: no classification provided. Collection method: in vitro. Allele origin: not applicable. Functional consequence: retained intron. Not counted in ClinVar's aggregate classification.